The following is an entry in ClinVar:

ClinVar aggregate classification (germline): Uncertain significance (1 of 4 stars; one submission).

Submission:

Ambry Genetics
Classification: Uncertain significance. Last evaluated: 2026-04-20. Review status: criteria provided, single submitter. Criteria: Ambry Variant Classification Scheme 2023. Collection method: clinical testing. Allele origin: germline.
Comment: The p.P946S variant (also known as c.2836C>T), located in coding exon 11 of the WNK2 gene, results from a C to T substitution at nucleotide position 2836. The proline at codon 946 is replaced by serine, an amino acid with similar properties. This amino acid position is conserved. In addition, this alteration is predicted to be tolerated by in silico analysis. Based on the available evidence, the clinical significance of this variant remains unclear.

NM_006648.4(WNK2):c.2836C>T (p.Pro946Ser)

Gene: WNK2 (WNK lysine deficient protein kinase 2; plus strand). Cytogenetic location: 9q22.31.
Variant type: single nucleotide variant.
Coding change: c.2836C>T on transcript NM_006648.4 (MANE Select); coding-DNA position 2836, C replaced by T.
Protein change: p.Pro946Ser; replaces proline 946 with serine.
Molecular consequence: missense variant.
Genome position (GRCh38, 1-based): chr9:93,259,384, C>T. VCF-style: chr9-93259384-C-T. GRCh37 (hg19) VCF-style: chr9-96021666-C-T.
Other names: c.2836C>T, p.Pro946Ser (NM_001282394.3); short protein forms P946S.
Identifiers: ClinVar variation 2302200 (VCV002302200.3), dbSNP rs1588245686, ClinGen allele CA374057446.
Genomic context (GRCh38, chr9:93,259,384, plus strand): 5'-CCTTCCCCCCATCACACGGTGCAGAATATGAGGGCCACCCCTCCACAGCCGGCACTGCCT[C>T]CACAACCCACACTGCCCCCACAACCCGTGCTGCCCCCGCAACCCACGCTGCCCCCTCAAC-3'
Protein context (NP_006639.3, residues 936-956): RATPPQPALP[Pro946Ser]QPTLPPQPVL